The following is an entry in ClinVar:

NM_014889.4(PITRM1):c.223A>C (p.Arg75=)

Gene: PITRM1 (pitrilysin metallopeptidase 1; minus strand). Cytogenetic location: 10p15.2.
Variant type: single nucleotide variant.
Coding change: c.223A>C on transcript NM_014889.4 (MANE Select); coding-DNA position 223, A replaced by C.
Protein change: p.Arg75=; no amino-acid change (arginine 75 retained).
Molecular consequence: synonymous variant. On other transcripts: 5 prime UTR variant (3), non-coding transcript variant (4).
Genome position (GRCh38, 1-based): chr10:3,166,979, T>G on the plus strand (A>C on the coding strand, the complement: PITRM1 is on the minus strand). VCF-style: chr10-3166979-T-G. GRCh37 (hg19) VCF-style: chr10-3209171-T-G.
Other names: c.223A>C, p.Arg75= (NM_001242307.2, NM_001347725.2); c.127A>C, p.Arg43= (NM_001242309.1); c.-349A>C (NM_001347726.2, NM_001347727.2); c.-1078A>C (NM_001347728.2); c.199A>C, p.Arg67= (NM_001347729.1, NM_001347730.1).
Identifiers: ClinVar variation 2044687 (VCV002044687.18), dbSNP rs767590298, ClinGen allele CA5388294.

ClinVar aggregate classification (germline): Conflicting classifications of pathogenicity. Review status: criteria provided, conflicting classifications (1 of 4 stars). 2 submissions from 2 submitters: Uncertain significance (1); Likely benign (1). Last evaluated 2024-10-01.

Allele frequency attached by ClinVar (database versions not stated): gnomAD 0.00003; TOPMed 0.00004; gnomAD exomes 0.00005; ExAC 0.00007.
gnomAD v4.1: 77 of 1,611,472 alleles (0.0048%); highest among the groups gnomAD compares: Middle Eastern, 0.12%; no homozygotes.

Submissions (2):

CeGaT Center for Human Genetics Tuebingen
Classification: Likely benign. Last evaluated: 2024-10-01. Review status: criteria provided, single submitter. Criteria: CeGaT Center For Human Genetics Tuebingen Variant Classification Criteria Version 2. Collection method: clinical testing. Allele origin: germline. Affected: yes. Observed: 1 variant allele.
Comment: PITRM1: BP4, BP7

Labcorp Genetics (formerly Invitae), Labcorp
Classification: Uncertain significance. Last evaluated: 2022-09-15. Review status: criteria provided, single submitter. Criteria: Invitae Variant Classification Sherloc (09022015). Collection method: clinical testing. Allele origin: germline.
Comment: This sequence change affects codon 43 of the PITRM1 mRNA. It is a 'silent' change, meaning that it does not change the encoded amino acid sequence of the PITRM1 protein. In summary, the available evidence is currently insufficient to determine the role of this variant in disease. Therefore, it has been classified as a Variant of Uncertain Significance. Algorithms developed to predict the effect of sequence changes on RNA splicing suggest that this variant may disrupt the consensus splice site. This variant has not been reported in the literature in individuals affected with PITRM1-related conditions. This variant is present in population databases (rs767590298, gnomAD 0.01%).